The following is an entry in ClinVar:

ClinVar aggregate classification (germline): Likely benign (1 of 4 stars; one submission).

gnomAD v4.1: 19 of 1,609,856 alleles (0.0012%); highest among the groups gnomAD compares: Middle Eastern, 0.033%; no homozygotes.

Submission:

Mayo Clinic Laboratories, Mayo Clinic
Classification: Likely benign. Last evaluated: 2025-12-18. Review status: criteria provided, single submitter. Criteria: ACMG Guidelines, 2015. Collection method: clinical testing. Allele origin: germline. Observed: 1 variant allele.
Comment: BP4, BP7

NM_015271.5(TRIM2):c.*7G>A

Gene: TRIM2 (tripartite motif containing 2; plus strand). Cytogenetic location: 4q31.3.
Variant type: single nucleotide variant.
Coding change: c.*7G>A on transcript NM_015271.5 (MANE Select); 7 bases downstream of the stop codon, G replaced by A.
Molecular consequence: 3 prime UTR variant.
Genome position (GRCh38, 1-based): chr4:153,334,973, G>A. VCF-style: chr4-153334973-G-A. GRCh37 (hg19) VCF-style: chr4-154256125-G-A.
Other names: c.*7G>A (NM_001130067.2, NM_001351054.2, NM_001351055.2 and 25 more transcripts).
Identifiers: ClinVar variation 4684814 (VCV004684814.1).